The following is an entry in ClinVar:

ClinVar aggregate classification (germline): Uncertain significance. Review status: criteria provided, multiple submitters, no conflicts (2 of 4 stars). 3 submissions from 3 submitters: Uncertain significance (3). Last evaluated 2021-07-21.

Conditions:
Epidermolysis bullosa, junctional 7, with interstitial lung disease and nephrotic syndrome. Also called: Interstitial lung disease, nephrotic syndrome, and epidermolysis bullosa, congenital; Interstitial Lung Disease with Nephrotic Syndrome and Epidermolysis Bullosa. Identifiers: Orphanet 306504, MedGen C4518785, MONDO:0013881, OMIM 614748.
Inborn genetic diseases. Identifiers: MedGen C0950123, MeSH D030342.

Allele frequency attached by ClinVar (database versions not stated): ExAC 0.00016; gnomAD 0.00036 and 0.00039; 1000 Genomes Project 0.00040; ESP Exome Variant Server 0.00054; gnomAD exomes 0.00016; 1000 Genomes Project 30x 0.00031; TOPMed 0.00038.

Submissions (5):

Ambry Genetics
Classification: Uncertain significance for Inborn genetic diseases. Last evaluated: 2021-07-21. Review status: criteria provided, single submitter. Criteria: Ambry Variant Classification Scheme 2023. Collection method: clinical testing. Allele origin: germline.

Baylor Genetics
Classification: Uncertain significance for Epidermolysis bullosa, junctional 7, with interstitial lung disease and nephrotic syndrome. Last evaluated: 2020-01-15. Review status: criteria provided, single submitter. Criteria: ACMG Guidelines, 2015. Collection method: clinical testing. Allele origin: unknown. Affected: yes.
Comment: This variant was determined to be of uncertain significance according to ACMG Guidelines, 2015 [PMID:25741868].

Breakthrough Genomics
Classification: Uncertain significance. Review status: criteria provided, single submitter. Criteria: ACMG Guidelines, 2015. Collection method: not provided. Allele origin: germline. Inheritance: Autosomal recessive inheritance. Affected: yes.

Dr. Peter K. Rogan Lab, Western University
No classification provided (evidence only). Condition: Lung cancer. Review status: no classification provided. Collection method: in vitro. Allele origin: not applicable. Functional consequence: retained intron. Not counted in ClinVar's aggregate classification.

Dr. Peter K. Rogan Lab, Western University
No classification provided (evidence only). Condition: Uterine corpus endometrial carcinoma. Review status: no classification provided. Collection method: in vitro. Allele origin: not applicable. Functional consequence: retained intron. Not counted in ClinVar's aggregate classification.

NM_002204.4(ITGA3):c.*48G>A

Gene: ITGA3 (integrin subunit alpha 3; plus strand). Cytogenetic location: 17q21.33.
Variant type: single nucleotide variant.
Coding change: c.*48G>A on transcript NM_002204.4 (MANE Select); 48 bases downstream of the stop codon, G replaced by A.
Molecular consequence: 3 prime UTR variant.
Genome position (GRCh38, 1-based): chr17:50,089,126, G>A. VCF-style: chr17-50089126-G-A. GRCh37 (hg19) VCF-style: chr17-48166490-G-A.
Other names: NM_005501.2:c.3062G>A; NC_000017.10:g.48166490G>A.
Identifiers: ClinVar variation 1028890 (VCV001028890.4), dbSNP rs139083066, ClinGen allele CA8642194.